The following is an entry in ClinVar:

NM_022575.4(VPS16):c.1799C>T (p.Ala600Val)

Genes: PTPRA (protein tyrosine phosphatase receptor type A; plus strand), VPS16 (VPS16 core subunit of CORVET and HOPS complexes; plus strand). Cytogenetic location: 20p13.
Variant type: single nucleotide variant.
Coding change: c.1799C>T on transcript NM_022575.4 (MANE Select); coding-DNA position 1799, C replaced by T.
Protein change: p.Ala600Val; replaces alanine 600 with valine.
Molecular consequence: missense variant. On other transcripts: 5 prime UTR variant (1).
Genome position (GRCh38, 1-based): chr20:2,864,443, C>T. VCF-style: chr20-2864443-C-T. GRCh37 (hg19) VCF-style: chr20-2845089-C-T.
Other names: c.-504C>T (NM_002836.4); c.1367C>T, p.Ala456Val (NM_080413.3); short protein forms A456V, A600V.
Identifiers: ClinVar variation 4813401 (VCV004813401.1).

ClinVar aggregate classification (germline): Uncertain significance (1 of 4 stars; one submission).

gnomAD v4.1: 5 of 1,614,156 alleles (0.00031%); highest among the groups gnomAD compares: Non-Finnish European, 0.00042%; no homozygotes.

Submission:

GeneDx
Classification: Uncertain significance. Last evaluated: 2025-09-10. Review status: criteria provided, single submitter. Criteria: GeneDx Variant Classification Process June 2021. Collection method: clinical testing. Allele origin: germline. Affected: yes.
Comment: Not observed at significant frequency in large population cohorts (gnomAD); In silico analysis supports that this missense variant has a deleterious effect on protein structure/function; Has not been previously published as pathogenic or benign to our knowledge